The following is an entry in ClinVar:

ClinVar aggregate classification (germline): Conflicting classifications of pathogenicity. Review status: criteria provided, conflicting classifications (1 of 4 stars). 2 submissions from 2 submitters: Uncertain significance (1); Likely benign (1). Last evaluated 2026-02-01.

Conditions:
Autism spectrum disorder due to AUTS2 deficiency (MRD26). Also called: INTELLECTUAL DEVELOPMENTAL DISORDER, AUTOSOMAL DOMINANT 26. Identifiers: Orphanet 352490, MedGen C4014435, MONDO:0014361, OMIM 615834.

Allele frequency attached by ClinVar (database versions not stated): gnomAD exomes 0.00001; TOPMed 0.00001; ExAC 0.00002; gnomAD 0.00006.
gnomAD v4.1: 30 of 1,613,890 alleles (0.0019%); highest among the groups gnomAD compares: South Asian, 0.019%; no homozygotes.

Submissions (2):

CeGaT Center for Human Genetics Tuebingen
Classification: Likely benign. Last evaluated: 2026-02-01. Review status: criteria provided, single submitter. Criteria: CeGaT Center For Human Genetics Tuebingen Variant Classification Criteria Version 2. Collection method: clinical testing. Allele origin: germline. Affected: yes. Observed: 1 variant allele.
Comment: AUTS2: BP4

Revvity Omics, Revvity
Classification: Uncertain significance for Autism spectrum disorder due to AUTS2 deficiency. Last evaluated: 2021-06-10. Review status: criteria provided, single submitter. Criteria: ACMG Guidelines, 2015. Collection method: clinical testing. Allele origin: germline.

NM_015570.4(AUTS2):c.401C>T (p.Ser134Phe)

Gene: AUTS2 (activator of transcription and developmental regulator AUTS2; plus strand). Cytogenetic location: 7q11.22.
Variant type: single nucleotide variant.
Coding change: c.401C>T on transcript NM_015570.4 (MANE Select); coding-DNA position 401, C replaced by T.
Protein change: p.Ser134Phe; replaces serine 134 with phenylalanine.
Molecular consequence: missense variant.
Genome position (GRCh38, 1-based): chr7:69,899,377, C>T. VCF-style: chr7-69899377-C-T. GRCh37 (hg19) VCF-style: chr7-69364363-C-T.
Other names: c.401C>T, p.Ser134Phe (NM_001127231.3, NM_001127232.3); short protein forms S134F.
Identifiers: ClinVar variation 2439442 (VCV002439442.7), dbSNP rs751518329, ClinGen allele CA4280296.
Genomic context (GRCh38, chr7:69,899,377, plus strand): 5'-TGGAGAAACGCCAGACGCCCCTGACCAAGAAGAAACGAGAAGCACTTACCAATGGCTTGT[C>T]CTTTCATTCAAAGAAGAGCAGACTCAGCCACCCACACCACTACAGCTCAGATCGAGAAAA-3'
Protein context (NP_056385.1, residues 124-144): KKREALTNGL[Ser134Phe]FHSKKSRLSH